The following is an entry in ClinVar:

ClinVar aggregate classification (germline): Uncertain significance. Review status: criteria provided, multiple submitters, no conflicts (2 of 4 stars). 3 submissions from 3 submitters: Uncertain significance (3). Last evaluated 2024-07-01.

Conditions:
Congenital myasthenic syndrome 8. Also called: MYASTHENIC SYNDROME, CONGENITAL, DUE TO AGRIN DEFICIENCY; Myasthenic syndrome, congenital, 8, with pre- and postsynaptic defects. Identifiers: Orphanet 590, MedGen C3808739, MONDO:0014052, OMIM 615120.
Inborn genetic diseases. Identifiers: MedGen C0950123, MeSH D030342.

Allele frequency attached by ClinVar (database versions not stated): ExAC 0.00001; gnomAD exomes 0.00001 and 0.00002; gnomAD 0.00002; TOPMed 0.00002.
gnomAD v4.1: 24 of 1,601,550 alleles (0.0015%); highest among the groups gnomAD compares: South Asian, 0.0066%; no homozygotes.

Submissions (3):

Labcorp Genetics (formerly Invitae), Labcorp
Classification: Uncertain significance for Congenital myasthenic syndrome 8. Last evaluated: 2024-07-01. Review status: criteria provided, single submitter. Criteria: Invitae Variant Classification Sherloc (09022015). Collection method: clinical testing. Allele origin: germline.
Comment: This sequence change replaces threonine, which is neutral and polar, with methionine, which is neutral and non-polar, at codon 573 of the AGRN protein (p.Thr573Met). This variant is present in population databases (rs757402635, gnomAD 0.007%). This variant has not been reported in the literature in individuals affected with AGRN-related conditions. ClinVar contains an entry for this variant (Variation ID: 1364906). An algorithm developed to predict the effect of missense changes on protein structure and function (PolyPhen-2) suggests that this variant is likely to be disruptive. In summary, the available evidence is currently insufficient to determine the role of this variant in disease. Therefore, it has been classified as a Variant of Uncertain Significance.

Ambry Genetics
Classification: Uncertain significance for Inborn genetic diseases. Last evaluated: 2024-01-03. Review status: criteria provided, single submitter. Criteria: Ambry Variant Classification Scheme 2023. Collection method: clinical testing. Allele origin: germline.

Revvity Omics, Revvity
Classification: Uncertain significance for Congenital myasthenic syndrome 8. Last evaluated: 2023-04-01. Review status: criteria provided, single submitter. Criteria: ACMG Guidelines, 2015. Collection method: clinical testing. Allele origin: germline.

NM_198576.4(AGRN):c.1718C>T (p.Thr573Met)

Gene: AGRN (agrin; plus strand). Cytogenetic location: 1p36.33.
Variant type: single nucleotide variant.
Coding change: c.1718C>T on transcript NM_198576.4 (MANE Select); coding-DNA position 1718, C replaced by T.
Protein change: p.Thr573Met; replaces threonine 573 with methionine.
Molecular consequence: missense variant.
Genome position (GRCh38, 1-based): chr1:1,043,652, C>T. VCF-style: chr1-1043652-C-T. GRCh37 (hg19) VCF-style: chr1-979032-C-T.
Other names: c.1718C>T, p.Thr573Met (NM_001305275.2); c.1403C>T, p.Thr468Met (NM_001364727.2); c.1718C>T (NM_198576.3); short protein forms T468M, T573M.
Identifiers: ClinVar variation 1364906 (VCV001364906.7), dbSNP rs757402635, ClinGen allele CA508304.
Genomic context (GRCh38, chr1:1,043,652, plus strand): 5'-GCGTGTGCCCCTCTGAATGCGTGGCTTTGGCCCAGCCCGTGTGTGGCTCCGACGGGCACA[C>T]GTACCCCAGCGAGTGCATGCTGCACGTGCACGCCTGCACACACCAGATCAGCCTGCACGT-3'
Protein context (NP_940978.2, residues 563-583): AQPVCGSDGH[Thr573Met]YPSECMLHVH